The following is an entry in ClinVar:

ClinVar aggregate classification (germline): Likely benign (1 of 4 stars; one submission).

Allele frequency attached by ClinVar (database versions not stated): TOPMed 0.00012; gnomAD 0.00013 and 0.00010; 1000 Genomes Project 30x 0.00016; ExAC 0.00016; 1000 Genomes Project 0.00020; gnomAD exomes 0.00006 and 0.00009.
gnomAD v4.1: 95 of 1,510,906 alleles (0.0063%); highest among the groups gnomAD compares: Middle Eastern, 0.017%; no homozygotes.

Submission:

Laboratory for Molecular Medicine, Mass General Brigham Personalized Medicine
Classification: Likely benign. Last evaluated: 2013-02-18. Review status: criteria provided, single submitter. Criteria: LMM Criteria. Collection method: clinical testing. Allele origin: germline. Observed: 2 variant alleles.
Comment: p.Val984Val in TJP2: This variant is not expected to have clinical significance because it does not alter an amino acid residue and is not located within the sp lice consensus sequence.

NM_004817.4(TJP2):c.2880+72G>A

Gene: TJP2 (tight junction protein 2; plus strand). Cytogenetic location: 9q21.11.
Variant type: single nucleotide variant.
Coding change: c.2880+72G>A on transcript NM_004817.4 (MANE Select); 72 bases into the intron after coding-DNA position 2880, G replaced by A.
Molecular consequence: intron variant.
Genome position (GRCh38, 1-based): chr9:69,248,296, G>A. VCF-style: chr9-69248296-G-A. GRCh37 (hg19) VCF-style: chr9-71863212-G-A.
Other names: c.2811+72G>A (NM_001170414.2, NM_001369871.1); c.2805+72G>A (NM_001369870.1); c.2880+72G>A (NM_201629.3, NM_001369872.1); c.2667+1506G>A (NM_001369873.1); c.2892+72G>A (NM_001170415.1, NM_001369875.1, NM_001369874.1); c.2973+72G>A (NM_001170416.2).
Identifiers: ClinVar variation 44108 (VCV000044108.5), dbSNP rs397516632, ClinGen allele CA133591.